The following is an entry in ClinVar:

NM_001037132.4(NRCAM):c.2032A>G (p.Thr678Ala)

Gene: NRCAM (neuronal cell adhesion molecule; minus strand). Cytogenetic location: 7q31.1.
Variant type: single nucleotide variant.
Coding change: c.2032A>G on transcript NM_001037132.4 (MANE Select); coding-DNA position 2032, A replaced by G.
Protein change: p.Thr678Ala; replaces threonine 678 with alanine.
Molecular consequence: missense variant. On other transcripts: non-coding transcript variant (5).
Genome position (GRCh38, 1-based): chr7:108,189,648, T>C on the plus strand (A>G on the coding strand, the complement: NRCAM is on the minus strand). VCF-style: chr7-108189648-T-C. GRCh37 (hg19) VCF-style: chr7-107830092-T-C.
Other names: c.2032A>G, p.Thr678Ala (NM_001193582.2, NM_001371123.1, NM_001371128.1 and 10 more transcripts); c.1975A>G, p.Thr659Ala (NM_001193583.2, NM_001193584.2, NM_001371119.1 and 22 more transcripts); c.1687A>G, p.Thr563Ala (NM_001371125.1, NM_001371142.1, NM_001371143.1 and 2 more transcripts); c.2029A>G, p.Thr677Ala (NM_001371127.1); c.1984A>G, p.Thr662Ala (NM_001371130.1, NM_001371133.1, NM_001371136.1 and 8 more transcripts); c.1981A>G, p.Thr661Ala (NM_001371134.1); c.1075A>G, p.Thr359Ala (NM_001371137.1); c.1714A>G, p.Thr572Ala (NM_001371148.1, NM_001371170.1, NM_001371179.1 and 1 more transcripts); and 3 more; short protein forms T359A, T563A, T572A, T643A, T659A, T661A, T662A, T668A.
Identifiers: ClinVar variation 3053990 (VCV003053990.2), dbSNP rs111616050, ClinGen allele CA4438736.

ClinVar aggregate classification (germline): Likely benign (0 of 4 stars; one submission).

Conditions:
NRCAM-related disorder.

Allele frequency attached by ClinVar (database versions not stated): gnomAD exomes 0.00006; ExAC 0.00021; 1000 Genomes Project 30x 0.00031; 1000 Genomes Project 0.00040; gnomAD 0.00064; TOPMed 0.00072; ESP Exome Variant Server 0.00092.
gnomAD v4.1: 166 of 1,273,732 alleles (0.013%); highest among the groups gnomAD compares: African/African-American, 0.22%; no homozygotes.

Submission:

PreventionGenetics, part of Exact Sciences
Classification: Likely benign for NRCAM-related condition. Last evaluated: 2022-07-07. Review status: no assertion criteria provided. Collection method: clinical testing. Allele origin: germline.
Comment: This variant is classified as likely benign based on ACMG/AMP sequence variant interpretation guidelines (Richards et al. 2015 PMID: 25741868, with internal and published modifications).